The following is an entry in ClinVar:

ClinVar aggregate classification (germline): Conflicting classifications of pathogenicity. Review status: criteria provided, conflicting classifications (1 of 4 stars). 4 submissions from 4 submitters: Uncertain significance (3); Likely benign (1). Last evaluated 2024-04-05.

Conditions:
Hereditary breast ovarian cancer syndrome. Also called: Hereditary breast and ovarian cancer; Hereditary breast and ovarian cancer syndrome; Hereditary breast and/or ovarian cancer syndrome; BRCA1- and BRCA2-Associated Hereditary Breast and Ovarian Cancer; Hereditary breast and ovarian cancer syndrome (HBOC); Breast and ovarian cancer. Identifiers: Orphanet 145, MedGen C0677776, MeSH D061325, MONDO:0003582. Disease mechanism: loss of function.
Hereditary cancer-predisposing syndrome. Also called: Tumor predisposition; Hereditary neoplastic syndrome; Hereditary Cancer Syndrome; Neoplastic Syndromes, Hereditary. Identifiers: Orphanet 140162, MedGen C0027672, MeSH D009386, MONDO:0015356.

Submissions (4):

GeneDx
Classification: Uncertain significance. Last evaluated: 2024-04-05. Review status: criteria provided, single submitter. Criteria: GeneDx Variant Classification Process June 2021. Collection method: clinical testing. Allele origin: germline. Affected: yes.
Comment: Not observed at significant frequency in large population cohorts (gnomAD); In silico analysis indicates that this missense variant does not alter protein structure/function; Has not been previously published as pathogenic or benign to our knowledge; Also known as 2647G>A

Labcorp Genetics (formerly Invitae), Labcorp
Classification: Uncertain significance for Hereditary breast ovarian cancer syndrome. Last evaluated: 2023-12-28. Review status: criteria provided, single submitter. Criteria: Invitae Variant Classification Sherloc (09022015). Collection method: clinical testing. Allele origin: germline.
Comment: This sequence change replaces valine, which is neutral and non-polar, with isoleucine, which is neutral and non-polar, at codon 807 of the BRCA2 protein (p.Val807Ile). This variant is not present in population databases (gnomAD no frequency). This variant has not been reported in the literature in individuals affected with BRCA2-related conditions. ClinVar contains an entry for this variant (Variation ID: 1172904). Advanced modeling of protein sequence and biophysical properties (such as structural, functional, and spatial information, amino acid conservation, physicochemical variation, residue mobility, and thermodynamic stability) performed at Invitae indicates that this missense variant is not expected to disrupt BRCA2 protein function with a negative predictive value of 95%. In summary, the available evidence is currently insufficient to determine the role of this variant in disease. Therefore, it has been classified as a Variant of Uncertain Significance.

University of Washington Department of Laboratory Medicine, University of Washington
Classification: Likely benign for Hereditary cancer-predisposing syndrome. Last evaluated: 2023-03-23. Review status: criteria provided, single submitter. Criteria: Dines et al. (Genet Med. 2020). Collection method: curation. Allele origin: germline.
Comment: Missense variant in a coldspot region where missense variants are very unlikely to be pathogenic (PMID:31911673).

BRCA2 exon 11 coldspot. Reclassification based on statistical prior probability.

Women's Health and Genetics/Laboratory Corporation of America, LabCorp
Classification: Uncertain significance. Last evaluated: 2021-06-10. Review status: criteria provided, single submitter. Criteria: LabCorp Variant Classification Summary - May 2015. Collection method: clinical testing. Allele origin: germline.
Comment: Variant summary: BRCA2 c.2419G>A (p.Val807Ile) results in a conservative amino acid change in the encoded protein sequence. Five of five in-silico tools predict a benign effect of the variant on protein function. The variant was absent in 247692 control chromosomes. The available data on variant occurrences in the general population are insufficient to allow any conclusion about variant significance. To our knowledge, no occurrence of c.2419G>A in individuals affected with Hereditary Breast And Ovarian Cancer Syndrome and no experimental evidence demonstrating its impact on protein function have been reported. No clinical diagnostic laboratories have submitted clinical-significance assessments for this variant to ClinVar after 2014. Based on the evidence outlined above, the variant was classified as uncertain significance.

NM_000059.4(BRCA2):c.2419G>A (p.Val807Ile)

Gene: BRCA2 (BRCA2 DNA repair associated; plus strand). Cytogenetic location: 13q13.1.
Variant type: single nucleotide variant.
Coding change: c.2419G>A on transcript NM_000059.4 (MANE Select); coding-DNA position 2419, G replaced by A.
Protein change: p.Val807Ile; replaces valine 807 with isoleucine.
Molecular consequence: missense variant.
Genome position (GRCh38, 1-based): chr13:32,336,774, G>A. VCF-style: chr13-32336774-G-A. GRCh37 (hg19) VCF-style: chr13-32910911-G-A.
Other names: short protein forms V807I.
Identifiers: ClinVar variation 1172904 (VCV001172904.7), dbSNP rs2137486258, ClinGen allele CA387772083.